The following is an entry in ClinVar:

NM_021098.3(CACNA1H):c.1809A>G (p.Arg603=)

Gene: CACNA1H (calcium voltage-gated channel subunit alpha1 H; plus strand). Cytogenetic location: 16p13.3.
Variant type: single nucleotide variant.
Coding change: c.1809A>G on transcript NM_021098.3 (MANE Select); coding-DNA position 1809, A replaced by G.
Protein change: p.Arg603=; no amino-acid change (arginine 603 retained).
Molecular consequence: synonymous variant.
Genome position (GRCh38, 1-based): chr16:1,202,259, A>G. VCF-style: chr16-1202259-A-G. GRCh37 (hg19) VCF-style: chr16-1252259-A-G.
Other names: p.Arg603=; c.1809A>G, p.Arg603= (NM_001005407.2).
Identifiers: ClinVar variation 96003 (VCV000096003.22), dbSNP rs9934839, ClinGen allele CA149136.

ClinVar aggregate classification (germline): Benign/Likely benign. Review status: criteria provided, multiple submitters, no conflicts (2 of 4 stars). 9 submissions from 9 submitters: Benign (6); Likely benign (1). 2 of the submissions do not count toward it. Last evaluated 2026-02-04.

Conditions:
Idiopathic generalized epilepsy. Also called: Generalised epilepsy; EIG. Identifiers: MedGen C0270850, MONDO:0005579, OMIM 600669.
Hyperaldosteronism, familial, type IV (HALD4). Also called: FH IV; ALDOSTERONISM, PRIMARY, AND HYPERTENSION. Identifiers: Orphanet 642671, MedGen C4310756, MONDO:0014875, OMIM 617027.

Allele frequency attached by ClinVar (database versions not stated): 1000 Genomes Project 0.39657; 1000 Genomes Project 30x 0.40818; gnomAD exomes 0.41809; TOPMed 0.48684; gnomAD 0.49455 and 0.50649; ExAC 0.51847; ESP Exome Variant Server 0.54607.

Submissions (9):

Labcorp Genetics (formerly Invitae), Labcorp
Classification: Benign for Idiopathic generalized epilepsy; Hyperaldosteronism, familial, type IV. Last evaluated: 2026-02-04. Review status: criteria provided, single submitter. Criteria: Invitae Variant Classification Sherloc (09022015). Collection method: clinical testing. Allele origin: germline.

Blueprint Genetics
Classification: Likely benign. Last evaluated: 2024-11-27. Review status: criteria provided, single submitter. Criteria: ACMG Guidelines, 2015. Collection method: clinical testing. Allele origin: germline.

Mayo Clinic Laboratories, Mayo Clinic
Classification: Benign. Last evaluated: 2023-01-30. Review status: criteria provided, single submitter. Criteria: ACMG Guidelines, 2015. Collection method: clinical testing. Allele origin: germline. Observed: 57 variant alleles.
Comment: BA1, BS2, BP4, BP7

Athena Diagnostics
Classification: Benign. Last evaluated: 2021-04-01. Review status: criteria provided, single submitter. Criteria: Athena Diagnostics criteria. Collection method: clinical testing. Allele origin: unknown.

GeneDx
Classification: Benign. Last evaluated: 2016-04-29. Review status: criteria provided, single submitter. Criteria: GeneDx Variant Classification (06012015). Collection method: clinical testing. Allele origin: germline. Affected: yes.
Comment: This variant is considered likely benign or benign based on one or more of the following criteria: it is a conservative change, it occurs at a poorly conserved position in the protein, it is predicted to be benign by multiple in silico algorithms, and/or has population frequency not consistent with disease.

Eurofins Ntd Llc (ga)
Classification: Benign. Last evaluated: 2013-07-03. Review status: criteria provided, single submitter. Criteria: EGL Classification Definitions 2015. Collection method: clinical testing. Allele origin: germline. Observed: 9 variant alleles, 7 heterozygotes, 2 homozygotes.

Breakthrough Genomics
Classification: Benign. Review status: criteria provided, single submitter. Criteria: ACMG Guidelines, 2015. Collection method: not provided. Allele origin: germline. Inheritance: Autosomal dominant inheritance. Affected: yes.

Genome Diagnostics Laboratory, University Medical Center Utrecht
Classification: Benign. Review status: no assertion criteria provided. Collection method: clinical testing. Allele origin: germline. Affected: yes. Study: VKGL Data-share Consensus. Not counted in ClinVar's aggregate classification.

Joint Genome Diagnostic Labs from Nijmegen and Maastricht, Radboudumc and MUMC+
Classification: Benign. Review status: no assertion criteria provided. Collection method: clinical testing. Allele origin: germline. Affected: yes. Study: VKGL Data-share Consensus. Not counted in ClinVar's aggregate classification.